The following is an entry in ClinVar:

NM_001999.4(FBN2):c.6539G>A (p.Gly2180Asp)

Gene: FBN2 (fibrillin 2; minus strand). Cytogenetic location: 5q23.3.
Variant type: single nucleotide variant.
Coding change: c.6539G>A on transcript NM_001999.4 (MANE Select); coding-DNA position 6539, G replaced by A.
Protein change: p.Gly2180Asp; replaces glycine 2180 with aspartic acid.
Molecular consequence: missense variant.
Genome position (GRCh38, 1-based): chr5:128,289,225, C>T on the plus strand (G>A on the coding strand, the complement: FBN2 is on the minus strand). VCF-style: chr5-128289225-C-T. GRCh37 (hg19) VCF-style: chr5-127624917-C-T.
Other names: short protein forms G2180D.
Identifiers: ClinVar variation 213347 (VCV000213347.10), dbSNP rs537628586, ClinGen allele CA321136.

ClinVar aggregate classification (germline): Conflicting classifications of pathogenicity. Review status: criteria provided, conflicting classifications (1 of 4 stars). 3 submissions from 3 submitters: Uncertain significance (2); Benign (1). Last evaluated 2026-02-25.

Conditions:
Familial thoracic aortic aneurysm and aortic dissection (TAAD). Also called: Thoracic aortic aneurysms and dissections. Identifiers: Orphanet 91387, MedGen C4707243, MONDO:0019625.
Congenital contractural arachnodactyly (CCA). Also called: Arthrogryposis, distal, type 9; BEALS SYNDROME; Beals-Hecht syndrome. Identifiers: Orphanet 115, MedGen C0220668, MONDO:0007363, OMIM 121050.

Allele frequency attached by ClinVar (database versions not stated): gnomAD exomes below 0.00001; gnomAD 0.00004 and 0.00005; TOPMed 0.00003.
gnomAD v4.1: 11 of 1,613,782 alleles (0.00068%); highest among the groups gnomAD compares: African/African-American, 0.0093%; no homozygotes.

Submissions (3):

Ambry Genetics
Classification: Uncertain significance for Familial thoracic aortic aneurysm and aortic dissection. Last evaluated: 2026-02-25. Review status: criteria provided, single submitter. Criteria: Ambry Variant Classification Scheme 2023. Collection method: clinical testing. Allele origin: germline.
Comment: The c.6539G>A (p.G2180D) alteration is located in exon 52 (coding exon 52) of the FBN2 gene. This alteration results from a G to A substitution at nucleotide position 6539, causing the glycine (G) at amino acid position 2180 to be replaced by an aspartic acid (D). Based on data from gnomAD, the A allele has an overall frequency of <0.001% (1/250694) total alleles studied. The highest observed frequency was 0.006% (1/16200) of African alleles. Based on insufficient or conflicting evidence, the clinical significance of this alteration remains unclear.

Labcorp Genetics (formerly Invitae), Labcorp
Classification: Benign for Congenital contractural arachnodactyly. Last evaluated: 2025-07-29. Review status: criteria provided, single submitter. Criteria: Invitae Variant Classification Sherloc (09022015). Collection method: clinical testing. Allele origin: germline.

GeneDx
Classification: Uncertain significance. Last evaluated: 2021-02-10. Review status: criteria provided, single submitter. Criteria: GeneDx Variant Classification Process June 2021. Collection method: clinical testing. Allele origin: germline. Affected: yes.
Comment: Has not been previously published as pathogenic or benign to our knowledge; Not observed at a significant frequency in large population cohorts (Lek et al., 2016); In silico analysis supports that this missense variant does not alter protein structure/function; Although located in a calcium-binding EGF-like domain of the FBN2 gene, it does not affect a cysteine residue within this domain; cysteine substitutions in the calcium-binding EGF-like domains represent the majority of pathogenic missense changes associated with FBN2-related disorders (Frederic et al., 2009).